The following is an entry in ClinVar:

NM_181552.4(CUX1):c.2584C>T (p.Gln862Ter)

Gene: CUX1 (cut like homeobox 1; plus strand). Cytogenetic location: 7q22.1.
Variant type: single nucleotide variant.
Coding change: c.2584C>T on transcript NM_181552.4 (MANE Select); coding-DNA position 2584, C replaced by T.
Protein change: p.Gln862Ter; replaces glutamine 862 with a stop codon.
Molecular consequence: nonsense. On other transcripts: intron variant (5).
Genome position (GRCh38, 1-based): chr7:102,201,881, C>T. VCF-style: chr7-102201881-C-T. GRCh37 (hg19) VCF-style: chr7-101845161-C-T.
Other names: c.2617C>T, p.Gln873Ter (NM_001202543.2); c.1255+6278C>T (NM_001913.5); c.1249+6278C>T (NM_181500.4); c.1117+6278C>T (NM_001202545.3); c.1207+6278C>T (NM_001202544.3); c.1138+6278C>T (NM_001202546.3); short protein forms Q873*, Q862*.
Identifiers: ClinVar variation 618991 (VCV000618991.5), dbSNP rs1563398977, ClinGen allele CA368682863.
Genomic context (GRCh38, chr7:102,201,881, plus strand): 5'-AAGGCCGAAGAAACGGGCGGCGGGAAAGAGAAGGGCAGCGGTGGCAGCGGAGGTGGCAGC[C>T]AGCCTCGGGCCGAGCGCAGTCAGCTCCAGGGACCCTCGTCGTCAGAGTACTGGAAGGAGT-3'

ClinVar aggregate classification (germline): Pathogenic/Likely pathogenic. Review status: criteria provided, multiple submitters, no conflicts (2 of 4 stars). 4 submissions from 4 submitters: Pathogenic (1); Likely pathogenic (1). 2 of the submissions do not count toward it. Last evaluated 2024-11-26.

Conditions:
Global developmental delay with or without impaired intellectual development. Identifiers: MedGen C5193032, MONDO:0032680, OMIM 618330.

Submissions (4):

GeneDx
Classification: Pathogenic. Last evaluated: 2024-11-26. Review status: criteria provided, single submitter. Criteria: GeneDx Variant Classification Process June 2021. Collection method: clinical testing. Allele origin: germline. Affected: yes.
Comment: Nonsense variant predicted to result in protein truncation or nonsense mediated decay in a gene for which loss of function is a known mechanism of disease; Not observed at significant frequency in large population cohorts (gnomAD); This variant is associated with the following publications: (PMID: 35982159, 30014507, 33057194)

Institute of Human Genetics, University of Leipzig Medical Center
Classification: Likely pathogenic for Global developmental delay with or without impaired intellectual development. Last evaluated: 2018-08-31. Review status: criteria provided, single submitter. Criteria: ACMG Guidelines, 2015. Collection method: clinical testing. Allele origin: de novo. Affected: yes.
Comment: This variant was identified as de novo (maternity and paternity confirmed).

OMIM
Classification: Pathogenic for NEURODEVELOPMENTAL DISORDER WITH DEVELOPMENTAL DELAY AND MOTOR AND SPEECH DELAY. Last evaluated: 2025-04-09. Review status: no assertion criteria provided. Collection method: literature only. Allele origin: germline. Not counted in ClinVar's aggregate classification.

Solve-RD Consortium
Classification: Likely pathogenic for Global developmental delay with or without impaired intellectual development. Last evaluated: 2022-06-01. Review status: no assertion criteria provided. Collection method: provider interpretation. Allele origin: inherited. Affected: yes. Not counted in ClinVar's aggregate classification.
Comment: Variant confirmed as disease-causing by referring clinical team

Variant identified during reanalysis of unsolved cases by the Solve-RD project. The Solve-RD project has received funding from the European Union’s Horizon 2020 research and innovation programme under grant agreement No 779257.

Literature cited by the submitters: PubMed 30014507 (cited by Institute of Human Genetics, University of Leipzig Medical Center and OMIM); PubMed 39825153 (cited by Solve-RD Consortium).